The following is an entry in ClinVar:

NM_021930.6(RINT1):c.1408G>T (p.Val470Leu)

Gene: RINT1 (RAD50 interactor 1; plus strand). Cytogenetic location: 7q22.3.
Variant type: single nucleotide variant.
Coding change: c.1408G>T on transcript NM_021930.6 (MANE Select); coding-DNA position 1408, G replaced by T.
Protein change: p.Val470Leu; replaces valine 470 with leucine.
Molecular consequence: missense variant. On other transcripts: non-coding transcript variant (1).
Genome position (GRCh38, 1-based): chr7:105,551,644, G>T. VCF-style: chr7-105551644-G-T. GRCh37 (hg19) VCF-style: chr7-105192091-G-T.
Other names: c.1174G>T, p.Val392Leu (NM_001346599.2); c.385G>T, p.Val129Leu (NM_001346600.2, NM_001346603.2); c.484G>T, p.Val162Leu (NM_001346601.2); c.1408G>T (NM_021930.4); short protein forms V129L, V162L, V392L, V470L.
Identifiers: ClinVar variation 1449777 (VCV001449777.7), dbSNP rs755218444, ClinGen allele CA4426674.
Genomic context (GRCh38, chr7:105,551,644, plus strand): 5'-ATGGACTCAATGCTTTCCTCAGAAGCTGCCTGGGTATCGCAATATAAGGATATCACTGAC[G>T]TGGATGAAATGAAAGTTCCAGATTGTGCAGAAACTTTTATGACTCTACTCTTGGTTATAA-3'
Protein context (NP_068749.3, residues 460-480): WVSQYKDITD[Val470Leu]DEMKVPDCAE

ClinVar aggregate classification (germline): Uncertain significance. Review status: criteria provided, multiple submitters, no conflicts (2 of 4 stars). 2 submissions from 2 submitters: Uncertain significance (2). Last evaluated 2023-12-19.

Allele frequency attached by ClinVar (database versions not stated): gnomAD exomes below 0.00001; ExAC 0.00001.
gnomAD v4.1: 2 of 1,612,370 alleles (0.00012%); no homozygotes.

Submissions (2):

Ambry Genetics
Classification: Uncertain significance. Last evaluated: 2023-12-19. Review status: criteria provided, single submitter. Criteria: Ambry Variant Classification Scheme 2023. Collection method: clinical testing. Allele origin: germline.
Comment: The p.V470L variant (also known as c.1408G>T), located in coding exon 10 of the RINT1 gene, results from a G to T substitution at nucleotide position 1408. The valine at codon 470 is replaced by leucine, an amino acid with highly similar properties. This amino acid position is conserved. In addition, this alteration is predicted to be tolerated by in silico analysis. Since supporting evidence is limited at this time, the clinical significance of this alteration remains unclear.

Labcorp Genetics (formerly Invitae), Labcorp
Classification: Uncertain significance. Last evaluated: 2023-10-10. Review status: criteria provided, single submitter. Criteria: Invitae Variant Classification Sherloc (09022015). Collection method: clinical testing. Allele origin: germline.
Comment: This sequence change replaces valine, which is neutral and non-polar, with leucine, which is neutral and non-polar, at codon 470 of the RINT1 protein (p.Val470Leu). This variant is present in population databases (rs755218444, gnomAD no frequency). This variant has not been reported in the literature in individuals affected with RINT1-related conditions. ClinVar contains an entry for this variant (Variation ID: 1449777). An algorithm developed to predict the effect of missense changes on protein structure and function (PolyPhen-2) suggests that this variant is likely to be tolerated. In summary, the available evidence is currently insufficient to determine the role of this variant in disease. Therefore, it has been classified as a Variant of Uncertain Significance.